The following is an entry in ClinVar:

ClinVar aggregate classification (germline): Conflicting classifications of pathogenicity. Review status: criteria provided, conflicting classifications (1 of 4 stars). 3 submissions from 3 submitters: Uncertain significance (2); Benign (1). Last evaluated 2026-03-10.

Conditions:
Hereditary cancer-predisposing syndrome. Also called: Tumor predisposition; Neoplastic Syndromes, Hereditary; Hereditary Cancer Syndrome; Hereditary neoplastic syndrome. Identifiers: Orphanet 140162, MedGen C0027672, MeSH D009386, MONDO:0015356.
Ataxia-telangiectasia syndrome (AT). Also called: LOUIS-BAR SYNDROME; Cerebello-oculocutaneous telangiectasia; Immunodeficiency with ataxia telangiectasia; Ataxia telangiectasia (A-T); Ataxia-telangiectasia, complementation group D; AT, COMPLEMENTATION GROUP C. Identifiers: Orphanet 100, MedGen C0004135, MONDO:0008840, OMIM 208900.

gnomAD v4.1: 1 of 1,614,064 alleles (0.000062%); no homozygotes.

Submissions (3):

Ambry Genetics
Classification: Benign for Hereditary cancer-predisposing syndrome. Last evaluated: 2026-03-10. Review status: criteria provided, single submitter. Criteria: Ambry Variant Classification Scheme 2023. Collection method: clinical testing. Allele origin: germline.

GeneDx
Classification: Uncertain significance. Last evaluated: 2024-03-01. Review status: criteria provided, single submitter. Criteria: GeneDx Variant Classification Process June 2021. Collection method: clinical testing. Allele origin: germline. Affected: yes.
Comment: Not observed at significant frequency in large population cohorts (gnomAD); In silico analysis supports that this missense variant does not alter protein structure/function; Has not been previously published as pathogenic or benign to our knowledge; This variant is associated with the following publications: (PMID: 23532176)

Labcorp Genetics (formerly Invitae), Labcorp
Classification: Uncertain significance for Ataxia-telangiectasia syndrome. Last evaluated: 2023-09-12. Review status: criteria provided, single submitter. Criteria: Invitae Variant Classification Sherloc (09022015). Collection method: clinical testing. Allele origin: germline.
Comment: In summary, the available evidence is currently insufficient to determine the role of this variant in disease. Therefore, it has been classified as a Variant of Uncertain Significance. Algorithms developed to predict the effect of missense changes on protein structure and function output the following: SIFT: "Not Available"; PolyPhen-2: "Benign"; Align-GVGD: "Not Available". The serine amino acid residue is found in multiple mammalian species, which suggests that this missense change does not adversely affect protein function. This variant has not been reported in the literature in individuals affected with ATM-related conditions. This variant is not present in population databases (gnomAD no frequency). This sequence change replaces alanine, which is neutral and non-polar, with serine, which is neutral and polar, at codon 2324 of the ATM protein (p.Ala2324Ser).

NM_000051.4(ATM):c.6970G>T (p.Ala2324Ser)

Genes: ATM (ATM serine/threonine kinase; plus strand), C11orf65 (chromosome 11 open reading frame 65; minus strand). Cytogenetic location: 11q22.3.
Variant type: single nucleotide variant.
Coding change: c.6970G>T on transcript NM_000051.4 (MANE Select); coding-DNA position 6970, G replaced by T.
Protein change: p.Ala2324Ser; replaces alanine 2324 with serine.
Molecular consequence: missense variant. On other transcripts: intron variant (2).
Genome position (GRCh38, 1-based): chr11:108,326,220, G>T. VCF-style: chr11-108326220-G-T. GRCh37 (hg19) VCF-style: chr11-108196947-G-T.
Other names: c.6970G>T, p.Ala2324Ser (NM_001351834.2); c.641-17149C>A (NM_001330368.2); c.*38+9000C>A (NM_001351110.2); short protein forms A2324S.
Identifiers: ClinVar variation 2760317 (VCV002760317.5), dbSNP rs2136340252, ClinGen allele CA382557440.